The following is an entry in ClinVar:

NM_001131016.2(CIZ1):c.898C>A (p.Pro300Thr)

Gene: CIZ1 (CDKN1A interacting zinc finger protein 1; minus strand). Cytogenetic location: 9q34.11.
Variant type: single nucleotide variant.
Coding change: c.898C>A on transcript NM_001131016.2 (MANE Select); coding-DNA position 898, C replaced by A.
Protein change: p.Pro300Thr; replaces proline 300 with threonine.
Molecular consequence: missense variant.
Genome position (GRCh38, 1-based): chr9:128,179,309, G>T on the plus strand (C>A on the coding strand, the complement: CIZ1 is on the minus strand). VCF-style: chr9-128179309-G-T. GRCh37 (hg19) VCF-style: chr9-130941588-G-T.
Other names: c.898C>A, p.Pro300Thr (NM_001131015.2, NM_012127.3); c.883C>A, p.Pro295Thr (NM_001131017.2); c.826C>A, p.Pro276Thr (NM_001131018.2); c.988C>A, p.Pro330Thr (NM_001257975.2); c.595C>A, p.Pro199Thr (NM_001257976.2); short protein forms P199T, P300T, P330T, P295T, P276T.
Identifiers: ClinVar variation 2014394 (VCV002014394.4), dbSNP rs2538808195, ClinGen allele CA375029136.

ClinVar aggregate classification (germline): Uncertain significance (1 of 4 stars; one submission).

Conditions:
Dystonic disorder. Also called: Dystonia. Identifiers: MedGen C0013421, MONDO:0003441, HP:0001332.

Submission:

Labcorp Genetics (formerly Invitae), Labcorp
Classification: Uncertain significance for Dystonic disorder. Last evaluated: 2022-07-06. Review status: criteria provided, single submitter. Criteria: Invitae Variant Classification Sherloc (09022015). Collection method: clinical testing. Allele origin: germline.
Comment: In summary, the available evidence is currently insufficient to determine the role of this variant in disease. Therefore, it has been classified as a Variant of Uncertain Significance. Algorithms developed to predict the effect of missense changes on protein structure and function (SIFT, PolyPhen-2, Align-GVGD) all suggest that this variant is likely to be disruptive. This variant has not been reported in the literature in individuals affected with CIZ1-related conditions. This variant is not present in population databases (gnomAD no frequency). This sequence change replaces proline, which is neutral and non-polar, with threonine, which is neutral and polar, at codon 300 of the CIZ1 protein (p.Pro300Thr).